The following is an entry in ClinVar:

ClinVar aggregate classification (germline): Uncertain significance (1 of 4 stars; one submission).

Conditions:
Developmental and epileptic encephalopathy, 12 (DEE12). Identifiers: MedGen C3150988, MONDO:0013389, OMIM 613722.

Submission:

Labcorp Genetics (formerly Invitae), Labcorp
Classification: Uncertain significance for Developmental and epileptic encephalopathy, 12. Last evaluated: 2022-08-01. Review status: criteria provided, single submitter. Criteria: Invitae Variant Classification Sherloc (09022015). Collection method: clinical testing. Allele origin: germline.
Comment: This variant has not been reported in the literature in individuals affected with PNKP-related conditions. Algorithms developed to predict the effect of missense changes on protein structure and function are either unavailable or do not agree on the potential impact of this missense change (SIFT: "Deleterious"; PolyPhen-2: "Benign"; Align-GVGD: "Class C0"). This sequence change replaces threonine, which is neutral and polar, with isoleucine, which is neutral and non-polar, at codon 59 of the PNKP protein (p.Thr59Ile). This variant is not present in population databases (gnomAD no frequency). In summary, the available evidence is currently insufficient to determine the role of this variant in disease. Therefore, it has been classified as a Variant of Uncertain Significance.

NM_007254.4(PNKP):c.176C>T (p.Thr59Ile)

Gene: PNKP (polynucleotide kinase 3'-phosphatase; minus strand). Cytogenetic location: 19q13.33.
Variant type: single nucleotide variant.
Coding change: c.176C>T on transcript NM_007254.4 (MANE Select); coding-DNA position 176, C replaced by T.
Protein change: p.Thr59Ile; replaces threonine 59 with isoleucine.
Molecular consequence: missense variant.
Genome position (GRCh38, 1-based): chr19:49,866,421, G>A on the plus strand (C>T on the coding strand, the complement: PNKP is on the minus strand). VCF-style: chr19-49866421-G-A. GRCh37 (hg19) VCF-style: chr19-50369678-G-A.
Other names: short protein forms T59I.
Identifiers: ClinVar variation 1958689 (VCV001958689.5), dbSNP rs2514642943, ClinGen allele CA406893108.